The following is an entry in ClinVar:

NM_001369268.1(ACAN):c.1393G>T (p.Val465Leu)

Gene: ACAN (aggrecan; plus strand). Cytogenetic location: 15q26.1.
Variant type: single nucleotide variant.
Coding change: c.1393G>T on transcript NM_001369268.1 (MANE Select); coding-DNA position 1393, G replaced by T.
Protein change: p.Val465Leu; replaces valine 465 with leucine.
Molecular consequence: missense variant.
Genome position (GRCh38, 1-based): chr15:88,845,846, G>T. VCF-style: chr15-88845846-G-T. GRCh37 (hg19) VCF-style: chr15-89389077-G-T.
Other names: c.1393G>T, p.Val465Leu (NM_001135.4, NM_001411096.1, NM_001411097.1 and 1 more transcripts); short protein forms V465L.
Identifiers: ClinVar variation 2749149 (VCV002749149.3), dbSNP rs761237568, ClinGen allele CA274470876.

ClinVar aggregate classification (germline): Uncertain significance (1 of 4 stars; one submission).

Submission:

Labcorp Genetics (formerly Invitae), Labcorp
Classification: Uncertain significance. Last evaluated: 2023-08-25. Review status: criteria provided, single submitter. Criteria: Invitae Variant Classification Sherloc (09022015). Collection method: clinical testing. Allele origin: germline.
Comment: Algorithms developed to predict the effect of sequence changes on RNA splicing suggest that this variant may disrupt the consensus splice site. In summary, the available evidence is currently insufficient to determine the role of this variant in disease. Therefore, it has been classified as a Variant of Uncertain Significance. Advanced modeling of protein sequence and biophysical properties (such as structural, functional, and spatial information, amino acid conservation, physicochemical variation, residue mobility, and thermodynamic stability) performed at Invitae indicates that this missense variant is not expected to disrupt ACAN protein function. This variant has not been reported in the literature in individuals affected with ACAN-related conditions. This variant is not present in population databases (gnomAD no frequency). This sequence change replaces valine, which is neutral and non-polar, with leucine, which is neutral and non-polar, at codon 465 of the ACAN protein (p.Val465Leu).